The following is an entry in ClinVar:

NM_004991.4(MECOM):c.430G>A (p.Val144Ile)

Gene: MECOM (MDS1 and EVI1 complex locus; minus strand). Cytogenetic location: 3q26.2.
Variant type: single nucleotide variant.
Coding change: c.430G>A on transcript NM_004991.4 (MANE Select); coding-DNA position 430, G replaced by A.
Protein change: p.Val144Ile; replaces valine 144 with isoleucine.
Molecular consequence: missense variant. On other transcripts: 5 prime UTR variant (12).
Genome position (GRCh38, 1-based): chr3:169,143,778, C>T on the plus strand (G>A on the coding strand, the complement: MECOM is on the minus strand). VCF-style: chr3-169143778-C-T. GRCh37 (hg19) VCF-style: chr3-168861566-C-T.
Other names: c.58G>A, p.Val20Ile (NM_001105077.4); c.-135G>A (NM_001105078.4, NM_001163999.2, NM_001164000.2 and 9 more transcripts); c.430G>A, p.Val144Ile (NM_001366466.2, NM_001366473.2); short protein forms V144I, V20I.
Identifiers: ClinVar variation 4624619 (VCV004624619.1).

ClinVar aggregate classification (germline): Uncertain significance (1 of 4 stars; one submission).

Conditions:
Inborn genetic diseases. Identifiers: MedGen C0950123, MeSH D030342.

Submission:

Ambry Genetics
Classification: Uncertain significance for Inborn genetic diseases. Last evaluated: 2025-09-29. Review status: criteria provided, single submitter. Criteria: Ambry Variant Classification Scheme 2023. Collection method: clinical testing. Allele origin: germline.
Comment: The p.V144I variant (also known as c.430G>A), located in coding exon 3 of the MECOM gene, results from a G to A substitution at nucleotide position 430. The valine at codon 144 is replaced by isoleucine, an amino acid with highly similar properties. This amino acid position is conserved. In addition, this alteration is predicted to be tolerated by in silico analysis. Based on the available evidence, the clinical significance of this variant remains unclear.